The following is an entry in ClinVar:

NM_001048166.1(STIL):c.36G>A (p.Met12Ile)

Gene: STIL (STIL centriolar assembly protein; minus strand). Cytogenetic location: 1p33.
Variant type: single nucleotide variant.
Coding change: c.36G>A on transcript NM_001048166.1 (MANE Select); coding-DNA position 36, G replaced by A.
Protein change: p.Met12Ile; replaces methionine 12 with isoleucine.
Molecular consequence: missense variant.
Genome position (GRCh38, 1-based): chr1:47,310,284, C>T on the plus strand (G>A on the coding strand, the complement: STIL is on the minus strand). VCF-style: chr1-47310284-C-T. GRCh37 (hg19) VCF-style: chr1-47775956-C-T.
Other names: c.36G>A, p.Met12Ile (NM_001282936.1, NM_001282937.1, NM_001282938.1 and 2 more transcripts); short protein forms M12I.
Identifiers: ClinVar variation 160067 (VCV000160067.10), dbSNP rs587784451, ClinGen allele CA272688.
Genomic context (GRCh38, chr1:47,310,284, plus strand): 5'-CCAAGTTATGTGAAAAGCTGTAAGACAAATATTTGTAAATATACTTCTATACCTGGTATT[C>T]ATCTGGGGCCGTGCAAAAGGATATATAGGCTCCATGATGTCTGGTGAATGATTTCTTTAA-3'
Protein context (NP_001041631.1, residues 2-22): EPIYPFARPQ[Met12Ile]NTRFPSSRMV

ClinVar aggregate classification (germline): Uncertain significance. Review status: criteria provided, multiple submitters, no conflicts (2 of 4 stars). 4 submissions from 4 submitters: Uncertain significance (4). Last evaluated 2025-03-18.

Conditions:
Inborn genetic diseases. Identifiers: MedGen C0950123, MeSH D030342.
Microcephaly 7, primary, autosomal recessive. Identifiers: Orphanet 2512, MedGen C2675187, MONDO:0012989, OMIM 612703.

Allele frequency attached by ClinVar (database versions not stated): gnomAD 0.00001; gnomAD exomes 0.00001; TOPMed 0.00001; ExAC 0.00002.

Submissions (4):

Ambry Genetics
Classification: Uncertain significance for Inborn genetic diseases. Last evaluated: 2025-03-18. Review status: criteria provided, single submitter. Criteria: Ambry Variant Classification Scheme 2023. Collection method: clinical testing. Allele origin: germline.

Athena Diagnostics
Classification: Uncertain significance. Last evaluated: 2024-12-03. Review status: criteria provided, single submitter. Criteria: Athena Diagnostics Criteria. Collection method: clinical testing. Allele origin: unknown.
Comment: Available data are insufficient to determine the clinical significance of the variant at this time. The frequency of this variant in the general population is uninformative in assessment of its pathogenicity. Polyphen and MutationTaster predict this amino acid change may be benign.

Genetic Services Laboratory, University of Chicago
Classification: Uncertain significance for Microcephaly 7, primary, autosomal recessive. Last evaluated: 2012-12-07. Review status: criteria provided, single submitter. Criteria: ACMG Guidelines, 2007. Collection method: clinical testing. Allele origin: germline. Inheritance: Autosomal recessive inheritance.

Breakthrough Genomics
Classification: Uncertain significance. Review status: criteria provided, single submitter. Criteria: ACMG Guidelines, 2015. Collection method: not provided. Allele origin: germline. Inheritance: Autosomal recessive inheritance. Affected: yes.